The following is an entry in ClinVar:

ClinVar aggregate classification (germline): Benign/Likely benign. Review status: criteria provided, multiple submitters, no conflicts (2 of 4 stars). 3 submissions from 3 submitters: Benign (1); Likely benign (2). Last evaluated 2026-09-01.

Allele frequency attached by ClinVar (database versions not stated): gnomAD exomes 0.00004 and 0.00019; gnomAD 0.00006 and 0.00007; ESP Exome Variant Server 0.00008; TOPMed 0.00008; ExAC 0.00014; 1000 Genomes Project 30x 0.00016; 1000 Genomes Project 0.00020.
gnomAD v4.1: 62 of 1,613,968 alleles (0.0038%); highest among the groups gnomAD compares: Admixed American, 0.082%; no homozygotes.

Submissions (3):

CeGaT Center for Human Genetics Tuebingen
Classification: Likely benign. Last evaluated: 2026-09-01. Review status: criteria provided, single submitter. Criteria: CeGaT Center For Human Genetics Tuebingen Variant Classification Criteria Version 2. Collection method: clinical testing. Allele origin: germline. Affected: yes. Observed: 1 variant allele.
Comment: ARID1B: BP4, BS2

Labcorp Genetics (formerly Invitae), Labcorp
Classification: Likely benign. Last evaluated: 2025-10-01. Review status: criteria provided, single submitter. Criteria: Invitae Variant Classification Sherloc (09022015). Collection method: clinical testing. Allele origin: germline.

GeneDx
Classification: Benign. Last evaluated: 2020-05-11. Review status: criteria provided, single submitter. Criteria: GeneDx Variant Classification Process June 2021. Collection method: clinical testing. Allele origin: germline. Affected: yes.

NM_001374828.1(ARID1B):c.4721C>T (p.Pro1574Leu)

Gene: ARID1B (AT-rich interaction domain 1B; plus strand). Cytogenetic location: 6q25.3.
Variant type: single nucleotide variant.
Coding change: c.4721C>T on transcript NM_001374828.1 (MANE Select); coding-DNA position 4721, C replaced by T.
Protein change: p.Pro1574Leu; replaces proline 1574 with leucine.
Molecular consequence: missense variant.
Genome position (GRCh38, 1-based): chr6:157,200,946, C>T. VCF-style: chr6-157200946-C-T. GRCh37 (hg19) VCF-style: chr6-157522080-C-T.
Other names: c.2222C>T, p.Pro741Leu (NM_001363725.2); c.4601C>T, p.Pro1534Leu (NM_001371656.1, NM_001374820.1); c.4562C>T, p.Pro1521Leu (NM_017519.3); c.4352C>T (NM_020732.3); short protein forms P1521L, P1534L, P1574L, P741L.
Identifiers: ClinVar variation 1262469 (VCV001262469.11), dbSNP rs370889837, ClinGen allele CA4067693.